The following is an entry in ClinVar:

ClinVar aggregate classification (germline): Benign/Likely benign. Review status: criteria provided, multiple submitters, no conflicts (2 of 4 stars). 5 submissions from 5 submitters: Benign (1); Likely benign (3). 1 of the submissions does not count toward it. Last evaluated 2026-02-01.

Conditions:
Familial temporal lobe epilepsy 7. Identifiers: Orphanet 101046, MedGen C4225327, MONDO:0014639, OMIM 616436.
Norman-Roberts syndrome (LIS2). Also called: Lissencephaly 2 (Norman-Roberts type). Identifiers: Orphanet 89844, MedGen C0796089, MONDO:0009760, OMIM 257320.
RELN-related disorder. Also called: RELN-related condition.

Allele frequency attached by ClinVar (database versions not stated): TOPMed 0.00004; gnomAD 0.00006; gnomAD exomes 0.00013 and 0.00026; ESP Exome Variant Server 0.00015; ExAC 0.00030; 1000 Genomes Project 30x 0.00047; 1000 Genomes Project 0.00060.
gnomAD v4.1: 207 of 1,613,642 alleles (0.013%); highest among the groups gnomAD compares: South Asian, 0.19%; 2 homozygotes.

Submissions (5):

CeGaT Center for Human Genetics Tuebingen
Classification: Likely benign. Last evaluated: 2026-02-01. Review status: criteria provided, single submitter. Criteria: CeGaT Center For Human Genetics Tuebingen Variant Classification Criteria Version 2. Collection method: clinical testing. Allele origin: germline. Affected: yes. Observed: 4 variant alleles.
Comment: RELN: BP4, BP7

Labcorp Genetics (formerly Invitae), Labcorp
Classification: Benign for Familial temporal lobe epilepsy 7; Norman-Roberts syndrome. Last evaluated: 2026-01-12. Review status: criteria provided, single submitter. Criteria: Invitae Variant Classification Sherloc (09022015). Collection method: clinical testing. Allele origin: germline.

Blueprint Genetics
Classification: Likely benign. Last evaluated: 2024-04-24. Review status: criteria provided, single submitter. Criteria: ACMG Guidelines, 2015. Collection method: clinical testing. Allele origin: germline.

GeneDx
Classification: Likely benign. Last evaluated: 2018-07-17. Review status: criteria provided, single submitter. Criteria: GeneDx Variant Classification Process June 2021. Collection method: clinical testing. Allele origin: germline. Affected: yes.

PreventionGenetics, part of Exact Sciences
Classification: Likely benign for RELN-related condition. Last evaluated: 2022-03-16. Review status: no assertion criteria provided. Collection method: clinical testing. Allele origin: germline. Not counted in ClinVar's aggregate classification.
Comment: This variant is classified as likely benign based on ACMG/AMP sequence variant interpretation guidelines (Richards et al. 2015 PMID: 25741868, with internal and published modifications).

NM_005045.4(RELN):c.2868C>T (p.His956=)

Gene: RELN (reelin; minus strand). Cytogenetic location: 7q22.1.
Variant type: single nucleotide variant.
Coding change: c.2868C>T on transcript NM_005045.4 (MANE Select); coding-DNA position 2868, C replaced by T.
Protein change: p.His956=; no amino-acid change (histidine 956 retained).
Molecular consequence: synonymous variant.
Genome position (GRCh38, 1-based): chr7:103,611,638, G>A on the plus strand (C>T on the coding strand, the complement: RELN is on the minus strand). VCF-style: chr7-103611638-G-A. GRCh37 (hg19) VCF-style: chr7-103252085-G-A.
Other names: c.2868C>T, p.His956= (NM_173054.3).
Identifiers: ClinVar variation 1164850 (VCV001164850.37), dbSNP rs362694, ClinGen allele CA4421917.